The following is an entry in ClinVar:

NM_000156.6(GAMT):c.11_36dup (p.Gly13fs)

Genes: GAMT (guanidinoacetate N-methyltransferase; minus strand), LOC130062945 (ATAC-STARR-seq lymphoblastoid silent region 9707; plus strand). Cytogenetic location: 19p13.3.
Variant type: Duplication.
Coding change: c.11_36dup on transcript NM_000156.6 (MANE Select); coding-DNA positions 11 to 36, 26 bases duplicated (CCAGCGCGACCCCCATCTTCGCGCCC).
Protein change: p.Gly13fs; shifts the reading frame from glycine 13.
Molecular consequence: frameshift variant.
Genome position (GRCh38, 1-based): chr19:1,401,441-1,401,466, GGGCGCGAAGATGGGGGTCGCGCTGG duplicated on the plus strand (CCAGCGCGACCCCCATCTTCGCGCCC on the coding strand, the reverse complement: GAMT is on the minus strand); duplicating any 26 consecutive bases within chr19:1,401,441-1,401,472 gives the same sequence; the c. name uses the placement nearest the transcript's 3' end. VCF-style (leftmost placement, unchanged base first): chr19-1401440-C-CGGGCGCGAAGATGGGGGTCGCGCTGG. GRCh37 (hg19) VCF-style: chr19-1401439-C-CGGGCGCGAAGATGGGGGTCGCGCTGG.
Other names: NM_000156.6(GAMT):c.11_36dup; p.Gly13fs; c.11_36dup, p.Gly13fs (NM_138924.3); short protein forms G13fs.
Identifiers: ClinVar variation 858462 (VCV000858462.17), dbSNP rs1460147564, ClinGen allele CA631301057.

ClinVar aggregate classification (germline): Pathogenic. Review status: reviewed by expert panel (3 of 4 stars). 5 submissions from 5 submitters: Pathogenic (1). 4 of the submissions do not count toward it. Last evaluated 2023-09-12.

Conditions:
GAMT-related disorder. Also called: GAMT-related condition.
Deficiency of guanidinoacetate methyltransferase (CCDS2). Also called: GAMT DEFICIENCY; Guanidinoacetate Methyltransferase (GAMT) Deficiency; CEREBRAL CREATINE DEFICIENCY SYNDROME 2. Identifiers: Orphanet 382, MedGen C0574080, MONDO:0012999, OMIM 612736.
Cerebral creatine deficiency syndrome. Also called: Creatine deficiency syndromes. Identifiers: Orphanet 79172, MedGen C5244016, MONDO:0000456.

Submissions (5):

ClinGen Cerebral Creatine Deficiency Syndromes Variant Curation Expert Panel, ClinGen
Classification: Pathogenic for Deficiency of guanidinoacetate methyltransferase. Last evaluated: 2023-09-12. Review status: reviewed by expert panel. Criteria: ClinGen_CCDS_ACMG_Specifications_GAMT_v1.1. Collection method: curation. Allele origin: germline. Inheritance: Autosomal recessive inheritance.
Comment: The NM_000156.6(GAMT):c.11_36dup (p.Gly13ProfsTer38) variant in GAMT (also reported as c.36_c.37ins26) is a frameshift variant predicted to cause a premature stop codon in biologically-relevant-exon 1/6 leading to nonsense mediated decay in a gene in which loss-of-function is an established disease mechanism (PVS1). This variant is absent in gnomAD v2.1.1. However, the read depth is <20X at this position and therefore allele frequency data cannot be accurately assessed. Three individuals with biochemical and clinical features consistent with GAMT deficiency have been described including two with reduced creatine peak and guanidinoacetate (GAc) peak on MRS as well as elevated GAc in serum (PMID 19027335, 23660394, 24415674, 29506905) and one with deficient GAMT activity in fibroblasts (PMID 24415674) (PP4_Strong). These individuals are all compound heterozygous for the variant and a second variant in GAMT, phase unknown, including c.327G>A (PMID 19027335, 23660394; pathogenic based on assessment with the ClinGen CCDS VCEP; 0.5 points), c.133T>A (p.Trp45Arg), and c.439C>T (p.His147Tyr). The in trans data for the patients with c.133T>A (p.Trp45Arg) and c.439C>T (p.His147Tyr) will be used in the assessment of those variants and is not included here in order to avoid circular logic (PM3_Supporting). There is a ClinVar entry for this variant (Variation ID: 858462). In summary, this variant meets the criteria to be classified as pathogenic for GAMT deficiency. GAMT-specific ACMG/AMP criteria met, based on the specifications of the ClinGen Cerebral Creatine Deficiencies VCEP (Specifications Version 1.1.0): PVS1, PP4_Strong, PM3_Supporting. (Classification approved by the ClinGen CCDS VCEP, September 12, 2023)

Baylor Genetics
Classification: Pathogenic for Deficiency of guanidinoacetate methyltransferase. Last evaluated: 2024-03-27. Review status: criteria provided, single submitter. Criteria: ACMG Guidelines, 2015. Collection method: clinical testing. Allele origin: unknown. Not counted in ClinVar's aggregate classification.

Labcorp Genetics (formerly Invitae), Labcorp
Classification: Pathogenic for Cerebral creatine deficiency syndrome. Last evaluated: 2024-02-29. Review status: criteria provided, single submitter. Criteria: Invitae Variant Classification Sherloc (09022015). Collection method: clinical testing. Allele origin: germline. Not counted in ClinVar's aggregate classification.
Comment: This sequence change creates a premature translational stop signal (p.Gly13Profs*38) in the GAMT gene. It is expected to result in an absent or disrupted protein product. Loss-of-function variants in GAMT are known to be pathogenic (PMID: 15108290). This variant is not present in population databases (gnomAD no frequency). This premature translational stop signal has been observed in individual(s) with GAMT-related conditions (PMID: 19027335, 23660394, 24415674). This variant is also known as c.36_37ins26. ClinVar contains an entry for this variant (Variation ID: 858462). For these reasons, this variant has been classified as Pathogenic.

Blueprint Genetics
Classification: Likely pathogenic for GAMT-related disorders. Last evaluated: 2024-02-21. Review status: criteria provided, single submitter. Criteria: ACMG Guidelines, 2015. Collection method: clinical testing. Allele origin: germline. Affected: yes. Observed: 3 variant alleles. Not counted in ClinVar's aggregate classification.

Natera, Inc.
Classification: Pathogenic for Guanidinoacetate methyltransferase deficiency. Last evaluated: 2021-02-24. Review status: no assertion criteria provided. Collection method: clinical testing. Allele origin: germline. Not counted in ClinVar's aggregate classification.

Literature cited by the submitters: PubMed 15108290 (cited by Labcorp Genetics (formerly Invitae), Labcorp); PubMed 19027335 (cited by Labcorp Genetics (formerly Invitae), Labcorp); PubMed 23660394 (cited by Labcorp Genetics (formerly Invitae), Labcorp); PubMed 24415674 (cited by Labcorp Genetics (formerly Invitae), Labcorp).